The following is an entry in ClinVar:

NM_001012759.3(CTU2):c.587C>T (p.Pro196Leu)

Gene: CTU2 (cytosolic thiouridylase subunit 2; plus strand). Cytogenetic location: 16q24.3.
Variant type: single nucleotide variant.
Coding change: c.587C>T on transcript NM_001012759.3 (MANE Select); coding-DNA position 587, C replaced by T.
Protein change: p.Pro196Leu; replaces proline 196 with leucine.
Molecular consequence: missense variant.
Genome position (GRCh38, 1-based): chr16:88,712,755, C>T. VCF-style: chr16-88712755-C-T. GRCh37 (hg19) VCF-style: chr16-88779163-C-T.
Other names: c.587C>T, p.Pro196Leu (NM_001012762.3); c.800C>T, p.Pro267Leu (NM_001318507.2); c.326C>T, p.Pro109Leu (NM_001318513.2); short protein forms P109L, P196L, P267L.
Identifiers: ClinVar variation 4008252 (VCV004008252.2).
Genomic context (GRCh38, chr16:88,712,755, plus strand): 5'-CGGCCGTGGACAGCTTCCTCCAGCAGCAGCATGTGCTGGGGGCCGGGGGTGGTCCTGGCC[C>T]GACTCAAGGGGAGGAACAGCCACCCCAGCCCCCGCTGGACCCCCAGAACCTGGCAAGACC-3'
Protein context (NP_001012777.1, residues 186-206): HVLGAGGGPG[Pro196Leu]TQGEEQPPQP

ClinVar aggregate classification (germline): Conflicting classifications of pathogenicity. Review status: criteria provided, conflicting classifications (1 of 4 stars). 2 submissions from 2 submitters: Uncertain significance (1); Likely benign (1). Last evaluated 2025-04-17.

gnomAD v4.1: 76 of 1,608,346 alleles (0.0047%); highest among the groups gnomAD compares: Admixed American, 0.03%; no homozygotes.

Submissions (2):

Labcorp Genetics (formerly Invitae), Labcorp
Classification: Uncertain significance. Last evaluated: 2025-04-17. Review status: criteria provided, single submitter. Criteria: Invitae Variant Classification Sherloc (09022015). Collection method: clinical testing. Allele origin: germline.
Comment: This sequence change replaces proline, which is neutral and non-polar, with leucine, which is neutral and non-polar, at codon 196 of the CTU2 protein (p.Pro196Leu). This variant is present in population databases (rs761329726, gnomAD 0.02%). This variant has not been reported in the literature in individuals affected with CTU2-related conditions. An algorithm developed to predict the effect of missense changes on protein structure and function outputs the following: PolyPhen-2: "Benign". The leucine amino acid residue is found in multiple mammalian species, which suggests that this missense change does not adversely affect protein function. In summary, the available evidence is currently insufficient to determine the role of this variant in disease. Therefore, it has been classified as a Variant of Uncertain Significance.

Ambry Genetics
Classification: Likely benign. Last evaluated: 2025-04-13. Review status: criteria provided, single submitter. Criteria: Ambry Variant Classification Scheme 2023. Collection method: clinical testing. Allele origin: germline.